The following is an entry in ClinVar:

NM_000834.5(GRIN2B):c.2010G>A (p.Lys670=)

Gene: GRIN2B (glutamate ionotropic receptor NMDA type subunit 2B; minus strand). Cytogenetic location: 12p13.1.
Variant type: single nucleotide variant.
Coding change: c.2010G>A on transcript NM_000834.5 (MANE Select); coding-DNA position 2010, G replaced by A.
Protein change: p.Lys670=; no amino-acid change (lysine 670 retained).
Molecular consequence: synonymous variant.
Genome position (GRCh38, 1-based): chr12:13,608,603, C>T on the plus strand (G>A on the coding strand, the complement: GRIN2B is on the minus strand). VCF-style: chr12-13608603-C-T. GRCh37 (hg19) VCF-style: chr12-13761537-C-T.
Identifiers: ClinVar variation 982914 (VCV000982914.6), dbSNP rs1369104116, ClinGen allele CA478771288.

ClinVar aggregate classification (germline): Uncertain significance. Review status: criteria provided, multiple submitters, no conflicts (2 of 4 stars). 2 submissions from 2 submitters: Uncertain significance (2). Last evaluated 2022-09-15.

Conditions:
Intellectual developmental disorder, autosomal dominant 6, with or without seizures. Also called: Intellectual disability, autosomal dominant 6; GRIN2B-related developmental delay, intellectual disability and autism spectrum disorder. Identifiers: Orphanet 589547, MedGen C3151411, MONDO:0013509, OMIM 613970.
Developmental and epileptic encephalopathy, 27 (DEE27). Also called: Epileptic encephalopathy, early infantile, 27; GRIN2B-Related Neurodevelopmental Disorder. Identifiers: Orphanet 3451, MedGen C4015316, MONDO:0014505, OMIM 616139.

Allele frequency attached by ClinVar (database versions not stated): gnomAD exomes below 0.00001.
gnomAD v4.1: 2 of 1,607,610 alleles (0.00012%); highest among the groups gnomAD compares: Non-Finnish European, 0.00017%; no homozygotes.

Submissions (2):

Labcorp Genetics (formerly Invitae), Labcorp
Classification: Uncertain significance for Developmental and epileptic encephalopathy, 27; Intellectual developmental disorder, autosomal dominant 6, with or without seizures. Last evaluated: 2022-09-15. Review status: criteria provided, single submitter. Criteria: Invitae Variant Classification Sherloc (09022015). Collection method: clinical testing. Allele origin: germline.
Comment: This sequence change affects codon 670 of the GRIN2B mRNA. It is a 'silent' change, meaning that it does not change the encoded amino acid sequence of the GRIN2B protein. This variant also falls at the last nucleotide of exon 9, which is part of the consensus splice site for this exon. This variant is present in population databases (no rsID available, gnomAD 0.0009%). This variant has not been reported in the literature in individuals affected with GRIN2B-related conditions. ClinVar contains an entry for this variant (Variation ID: 982914). Variants that disrupt the consensus splice site are a relatively common cause of aberrant splicing (PMID: 17576681, 9536098). Algorithms developed to predict the effect of sequence changes on RNA splicing suggest that this variant is not likely to affect RNA splicing. In summary, the available evidence is currently insufficient to determine the role of this variant in disease. Therefore, it has been classified as a Variant of Uncertain Significance.

Institute of Human Genetics, University of Leipzig Medical Center
Classification: Uncertain significance for Developmental and epileptic encephalopathy, 27. Last evaluated: 2019-01-01. Review status: criteria provided, single submitter. Criteria: ACMG Guidelines, 2015. Collection method: clinical testing. Allele origin: unknown. Affected: yes.

Literature cited by the submitters: PubMed 17576681 (cited by Labcorp Genetics (formerly Invitae), Labcorp); PubMed 9536098 (cited by Labcorp Genetics (formerly Invitae), Labcorp).